The following is an entry in ClinVar:

NM_201384.3(PLEC):c.4192C>G (p.Gln1398Glu)

Gene: PLEC (plectin; minus strand). Cytogenetic location: 8q24.3.
Variant type: single nucleotide variant.
Coding change: c.4192C>G on transcript NM_201384.3 (MANE Select); coding-DNA position 4192, C replaced by G.
Protein change: p.Gln1398Glu; replaces glutamine 1398 with glutamic acid.
Molecular consequence: missense variant. On other transcripts: intron variant (1).
Genome position (GRCh38, 1-based): chr8:143,925,737, G>C on the plus strand (C>G on the coding strand, the complement: PLEC is on the minus strand). VCF-style: chr8-143925737-G-C. GRCh37 (hg19) VCF-style: chr8-144999905-G-C.
Other names: c.4192C>G, p.Gln1398Glu (NM_201382.4); c.4204C>G, p.Gln1402Glu (NM_201383.3); c.4125+1047C>G (NM_001410941.1); c.4273C>G, p.Gln1425Glu (NM_000445.5); c.4150C>G, p.Gln1384Glu (NM_201378.4); c.4126C>G, p.Gln1376Glu (NM_201379.3); c.4603C>G, p.Gln1535Glu (NM_201380.4); c.4096C>G, p.Gln1366Glu (NM_201381.3); short protein forms Q1384E, Q1402E, Q1535E, Q1366E, Q1398E, Q1425E, Q1376E.
Identifiers: ClinVar variation 2933120 (VCV002933120.3), dbSNP rs2538099774, ClinGen allele CA372560662.
Genomic context (GRCh38, chr8:143,925,737, plus strand): 5'-TGCTGCGCTTCTGCTGCTGCGCGTCCACCGCCGCCTCCTCCCGCCGCACCACCTCCTCCT[G>C]CATGCGCTGCTGCAGCTCCTTCGCCTCCCGCTCCGCCTGTGCCTTTGCCTGGGCGTGCGC-3'
Protein context (NP_958786.1, residues 1388-1408): REAKELQQRM[Gln1398Glu]EEVVRREEAA

ClinVar aggregate classification (germline): Uncertain significance (1 of 4 stars; one submission).

Conditions:
Epidermolysis bullosa simplex with nail dystrophy (EBS5D). Identifiers: MedGen C4225309, MONDO:0014661, OMIM 616487.
Epidermolysis bullosa simplex 5C, with pyloric atresia (EBS5C). Also called: PLEC-Related Epidermolysis Bullosa with Pyloric Atresia; Epidermolysis bullosa simplex with pyloric atresia; PLEC1-Related Epidermolysis Bullosa with Pyloric Atresia. Identifiers: Orphanet 158684, MedGen C2677349, MONDO:0012807, OMIM 612138.
Autosomal recessive limb-girdle muscular dystrophy type 2Q (LGMDR17). Also called: MUSCULAR DYSTROPHY, LIMB-GIRDLE, AUTOSOMAL RECESSIVE 17. Identifiers: Orphanet 254361, MedGen C3150989, MONDO:0013390, OMIM 613723.
Epidermolysis bullosa simplex, Ogna type (EBS5A). Also called: Pidermolysis bullosa simplex 5A, Ogna type; EPIDERMOLYSIS BULLOSA SIMPLEX 5A, OGNA TYPE. Identifiers: Orphanet 79401, MedGen C0432317, MONDO:0007555, OMIM 131950.
Epidermolysis bullosa simplex 5B, with muscular dystrophy (EBS5B). Also called: EPIDERMOLYSIS BULLOSA SIMPLEX AND LIMB-GIRDLE MUSCULAR DYSTROPHY; Epidermolysis bullosa simplex with muscular dystrophy. Identifiers: Orphanet 257, MedGen C2931072, MONDO:0009181, OMIM 226670.

Submission:

Labcorp Genetics (formerly Invitae), Labcorp
Classification: Uncertain significance for Autosomal recessive limb-girdle muscular dystrophy type 2Q; Epidermolysis bullosa simplex, Ogna type; Epidermolysis bullosa simplex with nail dystrophy; Epidermolysis bullosa simplex 5C, with pyloric atresia; Epidermolysis bullosa simplex 5B, with muscular dystrophy. Last evaluated: 2023-05-16. Review status: criteria provided, single submitter. Criteria: Invitae Variant Classification Sherloc (09022015). Collection method: clinical testing. Allele origin: germline.
Comment: This sequence change replaces glutamine, which is neutral and polar, with glutamic acid, which is acidic and polar, at codon 1425 of the PLEC protein (p.Gln1425Glu). This variant is not present in population databases (gnomAD no frequency). This variant has not been reported in the literature in individuals affected with PLEC-related conditions. Experimental studies and prediction algorithms are not available or were not evaluated, and the functional significance of this variant is currently unknown. In summary, the available evidence is currently insufficient to determine the role of this variant in disease. Therefore, it has been classified as a Variant of Uncertain Significance.